The following is an entry in ClinVar:

NM_001375405.1(CEP120):c.220C>A (p.Pro74Thr)

Gene: CEP120 (centrosomal protein 120; minus strand). Cytogenetic location: 5q23.2.
Variant type: single nucleotide variant.
Coding change: c.220C>A on transcript NM_001375405.1 (MANE Select); coding-DNA position 220, C replaced by A.
Protein change: p.Pro74Thr; replaces proline 74 with threonine.
Molecular consequence: missense variant. On other transcripts: 5 prime UTR variant (2), non-coding transcript variant (1).
Genome position (GRCh38, 1-based): chr5:123,416,111, G>T on the plus strand (C>A on the coding strand, the complement: CEP120 is on the minus strand). VCF-style: chr5-123416111-G-T. GRCh37 (hg19) VCF-style: chr5-122751805-G-T.
Other names: c.142C>A, p.Pro48Thr (NM_001166226.2); c.220C>A, p.Pro74Thr (NM_001375406.1, NM_001375407.1, NM_153223.4); c.-529C>A (NM_001375408.1); c.-471C>A (NM_001375409.1); short protein forms P48T, P74T.
Identifiers: ClinVar variation 863313 (VCV000863313.9), dbSNP rs1774369109, ClinGen allele CA360896442.

ClinVar aggregate classification (germline): Uncertain significance (1 of 4 stars; one submission).

Conditions:
Short-rib thoracic dysplasia 13 with or without polydactyly (SRTD13). Identifiers: Orphanet 474, MedGen C4225378, MONDO:0014577, OMIM 616300.

Submission:

Labcorp Genetics (formerly Invitae), Labcorp
Classification: Uncertain significance for Short-rib thoracic dysplasia 13 with or without polydactyly. Last evaluated: 2021-03-17. Review status: criteria provided, single submitter. Criteria: Invitae Variant Classification Sherloc (09022015). Collection method: clinical testing. Allele origin: germline.
Comment: This sequence change replaces proline with threonine at codon 74 of the CEP120 protein (p.Pro74Thr). The proline residue is highly conserved and there is a small physicochemical difference between proline and threonine. This variant is not present in population databases (ExAC no frequency). This variant has not been reported in the literature in individuals with CEP120-related conditions. In summary, the available evidence is currently insufficient to determine the role of this variant in disease. Therefore, it has been classified as a Variant of Uncertain Significance. Algorithms developed to predict the effect of missense changes on protein structure and function are either unavailable or do not agree on the potential impact of this missense change (SIFT: "Deleterious"; PolyPhen-2: "Probably Damaging"; Align-GVGD: "Class C0").